The following is an entry in ClinVar:

NM_199420.4(POLQ):c.6839T>C (p.Met2280Thr)

Gene: POLQ (DNA polymerase theta; minus strand). Cytogenetic location: 3q13.33.
Variant type: single nucleotide variant.
Coding change: c.6839T>C on transcript NM_199420.4 (MANE Select); coding-DNA position 6839, T replaced by C.
Protein change: p.Met2280Thr; replaces methionine 2280 with threonine.
Molecular consequence: missense variant.
Genome position (GRCh38, 1-based): chr3:121,468,311, A>G on the plus strand (T>C on the coding strand, the complement: POLQ is on the minus strand). VCF-style: chr3-121468311-A-G. GRCh37 (hg19) VCF-style: chr3-121187158-A-G.
Other names: short protein forms M2280T.
Identifiers: ClinVar variation 1755719 (VCV001755719.2), dbSNP rs2546770666, ClinGen allele CA354111173.

ClinVar aggregate classification (germline): Uncertain significance (1 of 4 stars; one submission).

Submission:

Ambry Genetics
Classification: Uncertain significance. Last evaluated: 2024-01-01. Review status: criteria provided, single submitter. Criteria: Ambry Variant Classification Scheme 2023. Collection method: clinical testing. Allele origin: germline.
Comment: The p.M2280T variant (also known as c.6839T>C), located in coding exon 23 of the POLQ gene, results from a T to C substitution at nucleotide position 6839. The methionine at codon 2280 is replaced by threonine, an amino acid with similar properties. This amino acid position is conserved. In addition, this alteration is predicted to be tolerated by in silico analysis. Since supporting evidence is limited at this time, the clinical significance of this alteration remains unclear.